The following is an entry in ClinVar:

ClinVar aggregate classification (germline): Pathogenic (1 of 4 stars; one submission).

Conditions:
TWIST1-related craniosynostosis (CRS1). Also called: CRANIOSYNOSTOSIS 1. Identifiers: Orphanet 63440, MedGen C4551902, MONDO:0007399, OMIM 123100. Inheritance: Heterogenous inheritance pattern.
Saethre-Chotzen syndrome (SCS). Also called: ACROCEPHALY, SKULL ASYMMETRY, AND MILD SYNDACTYLY; ACS III; CHOTZEN SYNDROME. Identifiers: Orphanet 794, MedGen C0175699, MONDO:0007042, OMIM 101400.

Submission:

Labcorp Genetics (formerly Invitae), Labcorp
Classification: Pathogenic for TWIST1-related craniosynostosis; Saethre-Chotzen syndrome. Last evaluated: 2024-08-19. Review status: criteria provided, single submitter. Criteria: Invitae Variant Classification Sherloc (09022015). Collection method: clinical testing. Allele origin: germline.
Comment: This sequence change creates a premature translational stop signal (p.Gly36Aspfs*89) in the TWIST1 gene. It is expected to result in an absent or disrupted protein product. Loss-of-function variants in TWIST1 are known to be pathogenic (PMID: 10749989). This variant is not present in population databases (gnomAD no frequency). This variant has not been reported in the literature in individuals affected with TWIST1-related conditions. For these reasons, this variant has been classified as Pathogenic.

Literature cited by the submitters: PubMed 10749989.

NM_000474.4(TWIST1):c.102del (p.Gly36fs)

Gene: TWIST1 (twist family bHLH transcription factor 1; minus strand). Cytogenetic location: 7p21.1.
Variant type: Deletion.
Coding change: c.102del on transcript NM_000474.4 (MANE Select); coding-DNA position 102, one base deleted (C; older notation c.102delC).
Protein change: p.Gly36fs; shifts the reading frame from glycine 36.
Molecular consequence: frameshift variant. On other transcripts: non-coding transcript variant (1).
Genome position (GRCh38, 1-based): chr7:19,117,220, G deleted on the plus strand (C on the coding strand, the reverse complement: TWIST1 is on the minus strand). VCF-style (leftmost placement, unchanged base first): chr7-19117219-CG-C. GRCh37 (hg19) VCF-style: chr7-19156842-CG-C.
Other names: short protein forms G36fs.
Identifiers: ClinVar variation 3757740 (VCV003757740.2).